The following is an entry in ClinVar:

NM_001379500.1(COL18A1):c.2309G>T (p.Ser770Ile)

Gene: COL18A1 (collagen type XVIII alpha 1 chain; plus strand). Cytogenetic location: 21q22.3.
Variant type: single nucleotide variant.
Coding change: c.2309G>T on transcript NM_001379500.1 (MANE Select); coding-DNA position 2309, G replaced by T.
Protein change: p.Ser770Ile; replaces serine 770 with isoleucine.
Molecular consequence: missense variant.
Genome position (GRCh38, 1-based): chr21:45,493,532, G>T. VCF-style: chr21-45493532-G-T. GRCh37 (hg19) VCF-style: chr21-46913446-G-T.
Other names: NM_130445.2:c.2309G>T; c.2849G>T, p.Ser950Ile (NM_030582.4); c.3554G>T, p.Ser1185Ile (NM_130444.3); c.2849G>T (NM_030582.3); short protein forms S770I, S1185I, S950I.
Identifiers: ClinVar variation 1520325 (VCV001520325.8), dbSNP rs776080847, ClinGen allele CA10066982.

ClinVar aggregate classification (germline): Uncertain significance. Review status: criteria provided, multiple submitters, no conflicts (2 of 4 stars). 3 submissions from 3 submitters: Uncertain significance (3). Last evaluated 2025-07-24.

Conditions:
COL18A1-related disorder. Also called: COL18A1-related condition; COL18A1-related disorders.
Inborn genetic diseases. Identifiers: MedGen C0950123, MeSH D030342.

Allele frequency attached by ClinVar (database versions not stated): gnomAD 0.00001; gnomAD exomes 0.00002 and 0.00007; ExAC 0.00020.
gnomAD v4.1: 23 of 1,561,666 alleles (0.0015%); highest among the groups gnomAD compares: South Asian, 0.027%; 1 homozygote.

Submissions (3):

PreventionGenetics, part of Exact Sciences
Classification: Uncertain significance for COL18A1-related condition. Last evaluated: 2025-07-24. Review status: criteria provided, single submitter. Criteria: ACMG Guidelines, 2015. Collection method: clinical testing. Allele origin: germline.
Comment: The COL18A1 c.2849G>T variant is predicted to result in the amino acid substitution p.Ser950Ile. To our knowledge, this variant has not been reported in the literature. This variant is reported in 0.047% of alleles in individuals of South Asian descent in gnomAD. At this time, the clinical significance of this variant is uncertain due to the absence of conclusive functional and genetic evidence.

Labcorp Genetics (formerly Invitae), Labcorp
Classification: Uncertain significance. Last evaluated: 2024-10-28. Review status: criteria provided, single submitter. Criteria: Invitae Variant Classification Sherloc (09022015). Collection method: clinical testing. Allele origin: germline.
Comment: This sequence change replaces serine with isoleucine at codon 770 of the COL18A1 protein (p.Ser770Ile). The frequency data for this variant in the population databases is considered unreliable, as metrics indicate poor data quality at this position in the gnomAD database. This variant has not been reported in the literature in individuals affected with COL18A1-related conditions. ClinVar contains an entry for this variant (Variation ID: 1520325). Experimental studies and prediction algorithms are not available or were not evaluated, and the functional significance of this variant is currently unknown. In summary, the available evidence is currently insufficient to determine the role of this variant in disease. Therefore, it has been classified as a Variant of Uncertain Significance.

Ambry Genetics
Classification: Uncertain significance for Inborn genetic diseases. Last evaluated: 2023-06-07. Review status: criteria provided, single submitter. Criteria: Ambry Variant Classification Scheme 2023. Collection method: clinical testing. Allele origin: germline.